The following is an entry in ClinVar:

ClinVar aggregate classification (germline): Uncertain significance. Review status: criteria provided, multiple submitters, no conflicts (2 of 4 stars). 2 submissions from 2 submitters: Uncertain significance (2). Last evaluated 2026-02-21.

Allele frequency attached by ClinVar (database versions not stated): ExAC 0.00001; gnomAD 0.00001; TOPMed 0.00002.
gnomAD v4.1: 2 of 1,613,650 alleles (0.00012%); highest among the groups gnomAD compares: African/African-American, 0.0027%; no homozygotes.

Submissions (2):

GeneDx
Classification: Uncertain significance. Last evaluated: 2026-02-21. Review status: criteria provided, single submitter. Criteria: GeneDx Variant Classification Process June 2021. Collection method: clinical testing. Allele origin: germline.
Comment: Not observed at significant frequency in large population cohorts (gnomAD); Missense variant in a gene in which most reported pathogenic variants are truncating/loss of function; Has not been previously published as pathogenic or benign to our knowledge

Revvity Omics, Revvity
Classification: Uncertain significance. Last evaluated: 2020-09-07. Review status: criteria provided, single submitter. Criteria: ACMG Guidelines, 2015. Collection method: clinical testing. Allele origin: germline.

NM_001267550.2(TTN):c.84754C>A (p.Pro28252Thr)

Genes: TTN (titin; minus strand), TTN-AS1 (TTN antisense RNA 1; plus strand). Cytogenetic location: 2q31.2.
Variant type: single nucleotide variant.
Coding change: c.84754C>A on transcript NM_001267550.2 (MANE Select); coding-DNA position 84754, C replaced by A.
Protein change: p.Pro28252Thr; replaces proline 28252 with threonine.
Molecular consequence: missense variant.
Genome position (GRCh38, 1-based): chr2:178,561,378, G>T on the plus strand (C>A on the coding strand, the complement: TTN is on the minus strand). VCF-style: chr2-178561378-G-T. GRCh37 (hg19) VCF-style: chr2-179426105-G-T.
Other names: c.57934C>A, p.Pro19312Thr (NM_133432.3); c.58135C>A, p.Pro19379Thr (NM_133437.4); c.79831C>A, p.Pro26611Thr (NM_001256850.1); c.57559C>A, p.Pro19187Thr (NM_003319.4); c.77050C>A, p.Pro25684Thr (NM_133378.4); short protein forms P19187T, P19312T, P19379T, P25684T, P26611T, P28252T.
Identifiers: ClinVar variation 2437485 (VCV002437485.4), dbSNP rs780908799, ClinGen allele CA1988740.